The following is an entry in ClinVar:

ClinVar aggregate classification (germline): Uncertain significance (1 of 4 stars; one submission).

Submission:

GeneDx
Classification: Uncertain significance. Last evaluated: 2023-05-10. Review status: criteria provided, single submitter. Criteria: GeneDx Variant Classification Process June 2021. Collection method: clinical testing. Allele origin: germline. Affected: yes.
Comment: Not observed at significant frequency in large population cohorts (gnomAD); In silico analysis supports that this missense variant does not alter protein structure/function; Has not been previously published as pathogenic or benign to our knowledge

NM_004380.3(CREBBP):c.5621C>G (p.Thr1874Ser)

Gene: CREBBP (CREB binding protein; minus strand). Cytogenetic location: 16p13.3.
Variant type: single nucleotide variant.
Coding change: c.5621C>G on transcript NM_004380.3 (MANE Select); coding-DNA position 5621, C replaced by G.
Protein change: p.Thr1874Ser; replaces threonine 1874 with serine.
Molecular consequence: missense variant.
Genome position (GRCh38, 1-based): chr16:3,729,426, G>C on the plus strand (C>G on the coding strand, the complement: CREBBP is on the minus strand). VCF-style: chr16-3729426-G-C. GRCh37 (hg19) VCF-style: chr16-3779427-G-C.
Other names: c.5507C>G, p.Thr1836Ser (NM_001079846.1); short protein forms T1836S, T1874S.
Identifiers: ClinVar variation 2662304 (VCV002662304.1), dbSNP rs2548349623, ClinGen allele CA394555882.